The following is an entry in ClinVar:

NM_001197104.2(KMT2A):c.9803A>C (p.His3268Pro)

Gene: KMT2A (lysine methyltransferase 2A; plus strand). Cytogenetic location: 11q23.3.
Variant type: single nucleotide variant.
Coding change: c.9803A>C on transcript NM_001197104.2 (MANE Select); coding-DNA position 9803, A replaced by C.
Protein change: p.His3268Pro; replaces histidine 3268 with proline.
Molecular consequence: missense variant.
Genome position (GRCh38, 1-based): chr11:118,505,695, A>C. VCF-style: chr11-118505695-A-C. GRCh37 (hg19) VCF-style: chr11-118376410-A-C.
Other names: c.9893A>C, p.His3298Pro (NM_001412597.1); c.9794A>C, p.His3265Pro (NM_005933.4); short protein forms H3265P, H3268P, H3298P.
Identifiers: ClinVar variation 2642433 (VCV002642433.24), dbSNP rs1555047950, ClinGen allele CA382821800.

ClinVar aggregate classification (germline): Uncertain significance (1 of 4 stars; one submission).

Submission:

CeGaT Center for Human Genetics Tuebingen
Classification: Uncertain significance. Last evaluated: 2023-09-01. Review status: criteria provided, single submitter. Criteria: CeGaT Center For Human Genetics Tuebingen Variant Classification Criteria Version 2. Collection method: clinical testing. Allele origin: germline. Affected: yes. Observed: 1 variant allele.
Comment: KMT2A: PM2, BP4